The following is an entry in ClinVar:

NM_018941.4(CLN8):c.71G>A (p.Arg24His)

Gene: CLN8 (CLN8 transmembrane ER and ERGIC protein; plus strand). Cytogenetic location: 8p23.3.
Variant type: single nucleotide variant.
Coding change: c.71G>A on transcript NM_018941.4 (MANE Select); coding-DNA position 71, G replaced by A.
Protein change: p.Arg24His; replaces arginine 24 with histidine.
Molecular consequence: missense variant.
Genome position (GRCh38, 1-based): chr8:1,771,125, G>A. VCF-style: chr8-1771125-G-A. GRCh37 (hg19) VCF-style: chr8-1719291-G-A.
Other names: short protein forms R24H.
Identifiers: ClinVar variation 2056379 (VCV002056379.5), dbSNP rs762079123, ClinGen allele CA4599188.
Genomic context (GRCh38, chr8:1,771,125, plus strand): 5'-CGAGCGATGGGGGCACATCAGAGAGCATTTTTGACCTGGACTATGCATCCTGGGGGATCC[G>A]CTCCACGCTGATGGTCGCTGGCTTTGTCTTCTACTTGGGCGTCTTTGTGGTCTGCCACCA-3'
Protein context (NP_061764.2, residues 14-34): FDLDYASWGI[Arg24His]STLMVAGFVF

ClinVar aggregate classification (germline): Conflicting classifications of pathogenicity. Review status: criteria provided, conflicting classifications (1 of 4 stars). 2 submissions from 2 submitters: Likely pathogenic (1); Uncertain significance (1). Last evaluated 2023-08-24.

Conditions:
Neuronal ceroid lipofuscinosis. Also called: Neuronal Ceroid Lipofuscinoses. Identifiers: Orphanet 216, Orphanet 79263, MedGen C0027877, MONDO:0016295. Disease mechanism: loss of function.

Allele frequency attached by ClinVar (database versions not stated): TOPMed below 0.00001; ExAC 0.00003.
gnomAD v4.1: 8 of 1,614,002 alleles (0.0005%); highest among the groups gnomAD compares: East Asian, 0.0067%; no homozygotes.

Submissions (2):

Women's Health and Genetics/Laboratory Corporation of America, LabCorp
Classification: Uncertain significance. Last evaluated: 2023-08-24. Review status: criteria provided, single submitter. Criteria: LabCorp Variant Classification Summary - May 2015. Collection method: clinical testing. Allele origin: germline.
Comment: Variant summary: CLN8 c.71G>A (p.Arg24His) results in a non-conservative amino acid change in the encoded protein sequence. Five of five in-silico tools predict a damaging effect of the variant on protein function. The variant allele was found at a frequency of 2e-05 in 251482 control chromosomes (gnomAD). c.71G>A has been reported in the literature as a heterozygous genotype in individuals affected with autism spectrum disorder, without strong evidence for causality (e.g. Egawa_2015). This report does not provide unequivocal conclusions about association of the variant with disease. To our knowledge, no occurrences of the variant in individuals affected with Neuronal Ceroid-Lipofuscinosis (Batten Disease) or other CLN8-related disorders and no experimental evidence demonstrating an impact on protein function have been reported. Another variant affecting the same codon, c.70C>G (p.Arg24Gly), has been reported in Finnish individuals affected with Northern Epilepsy (HGMD database) and has been classified as pathogenic in ClinVar, suggesting Arg24 may be important for normal protein function. The following publication has been ascertained in the context of this evaluation (PMID: 25806950). One submitter has provided a clinical-significance assessment for this variant to ClinVar after 2014 and has classified the variant as likely pathogenic. Based on the evidence outlined above, the variant was classified as VUS-possibly pathogenic.

Labcorp Genetics (formerly Invitae), Labcorp
Classification: Likely pathogenic for Neuronal ceroid lipofuscinosis. Last evaluated: 2023-08-05. Review status: criteria provided, single submitter. Criteria: Invitae Variant Classification Sherloc (09022015). Collection method: clinical testing. Allele origin: germline.
Comment: This sequence change replaces arginine, which is basic and polar, with histidine, which is basic and polar, at codon 24 of the CLN8 protein (p.Arg24His). This variant is present in population databases (rs762079123, gnomAD 0.006%). This variant has not been reported in the literature in individuals affected with CLN8-related conditions. ClinVar contains an entry for this variant (Variation ID: 2056379). Advanced modeling of protein sequence and biophysical properties (such as structural, functional, and spatial information, amino acid conservation, physicochemical variation, residue mobility, and thermodynamic stability) has been performed at Invitae for this missense variant, however the output from this modeling did not meet the statistical confidence thresholds required to predict the impact of this variant on CLN8 protein function. This variant disrupts the p.Arg24 amino acid residue in CLN8. Other variant(s) that disrupt this residue have been determined to be pathogenic (PMID: 10508524, 16828266). This suggests that this residue is clinically significant, and that variants that disrupt this residue are likely to be disease-causing. In summary, the currently available evidence indicates that the variant is pathogenic, but additional data are needed to prove that conclusively. Therefore, this variant has been classified as Likely Pathogenic.

Literature cited by the submitters: PubMed 25806950 (cited by Women's Health and Genetics/Laboratory Corporation of America, LabCorp); PubMed 10508524 (cited by Labcorp Genetics (formerly Invitae), Labcorp); PubMed 16828266 (cited by Labcorp Genetics (formerly Invitae), Labcorp).